The following is an entry in ClinVar:

ClinVar aggregate classification (germline): Likely benign (0 of 4 stars; one submission).

Conditions:
POLRMT-related disorder. Also called: POLRMT-related condition.

Allele frequency attached by ClinVar (database versions not stated): TOPMed 0.00002; gnomAD exomes 0.00003; ExAC 0.00011.
gnomAD v4.1: 20 of 1,612,806 alleles (0.0012%); highest among the groups gnomAD compares: Admixed American, 0.032%; no homozygotes.

Submission:

PreventionGenetics, part of Exact Sciences
Classification: Likely benign for POLRMT-related condition. Last evaluated: 2022-12-28. Review status: no assertion criteria provided. Collection method: clinical testing. Allele origin: germline.
Comment: This variant is classified as likely benign based on ACMG/AMP sequence variant interpretation guidelines (Richards et al. 2015 PMID: 25741868, with internal and published modifications).

NM_005035.4(POLRMT):c.3690C>T (p.Ser1230=)

Gene: POLRMT (RNA polymerase mitochondrial; minus strand). Cytogenetic location: 19p13.3.
Variant type: single nucleotide variant.
Coding change: c.3690C>T on transcript NM_005035.4 (MANE Select); coding-DNA position 3690, C replaced by T.
Protein change: p.Ser1230=; no amino-acid change (serine 1230 retained).
Molecular consequence: synonymous variant. On other transcripts: non-coding transcript variant (1).
Genome position (GRCh38, 1-based): chr19:617,277, G>A on the plus strand (C>T on the coding strand, the complement: POLRMT is on the minus strand). VCF-style: chr19-617277-G-A. GRCh37 (hg19) VCF-style: chr19-617277-G-A.
Other names: c.3711C>T, p.Ser1237= (NM_001407805.1); c.3702C>T, p.Ser1234= (NM_001407806.1); c.3699C>T, p.Ser1233= (NM_001407807.1, NM_001407808.1); c.3681C>T, p.Ser1227= (NM_001407809.1); c.3678C>T, p.Ser1226= (NM_001407810.1); c.3669C>T, p.Ser1223= (NM_001407811.1); c.3651C>T, p.Ser1217= (NM_001407812.1); c.3648C>T, p.Ser1216= (NM_001407813.1); and 10 more.
Identifiers: ClinVar variation 3028964 (VCV003028964.2), dbSNP rs769033847, ClinGen allele CA9018939.
Genomic context (GRCh38, chr19:617,277, plus strand): 5'-TGGCTCCTGGGGGTGGCAAAAGAGCTTTATTTACACACTGACAAGGCTCACGGGGTGTCA[G>A]CTGAAGAAGTAGGTGGAACGCTTCACCTGCTCCAGGTCGAAGGCCCCTGCGGAGGAAGCA-3'
Protein context (NP_005026.3, residues 1220-1230): EQVKRSTYFF[Ser1230=]